The following is an entry in ClinVar:

ClinVar aggregate classification (germline): other. Review status: practice guideline (4 of 4 stars). 2 submissions from 2 submitters: other (1). 1 of the submissions does not count toward it. Last evaluated 2015-10-08.

Conditions:
Steinert myotonic dystrophy syndrome (DM1). Also called: Myotonic dystrophy type 1; Dystrophia myotonica type 1; Steinert myotonic dystrophy; Steinert's disease; STEINERT DISEASE. Identifiers: Orphanet 273, MedGen C3250443, MONDO:0008056, OMIM 160900.

Submissions (2):

American College of Medical Genetics and Genomics  (ACMG)
Classification: other for Steinert myotonic dystrophy syndrome. Last evaluated: 2015-10-08. Review status: practice guideline. Criteria: ACMG DM1 Guidelines, 2009. Collection method: curation. Allele origin: germline. Inheritance: Autosomal dominant inheritance. Affected: no.
Comment: DM1 premutation alleles are often identified in distant relatives of DM1 probands. These alleles are not associated with a clinical phenotype in the carrier but are unstable and liable to expand in succeeding generations.

GeneReviews
Classification: Benign for Myotonic Dystrophy Type 1. Last evaluated: 2013-05-16. Review status: no assertion criteria provided. Collection method: curation. Allele origin: unknown. Not counted in ClinVar's aggregate classification.
ClinVar note: Converted during submission from non-pathogenic to Benign.

NM_004409.4(DMPK):c.*224CTG[(35_49)]

Genes: DM1-AS (DM1 locus antisense RNA; plus strand), DMPK (DM1 protein kinase; minus strand), LOC107075317 (origin of replication in DMPK trinucleotide repeat region; plus strand), LOC109461477 (dystrophia myotonica protein kinase repeat instability region; plus strand), LOC129929040 (ATAC-STARR-seq lymphoblastoid silent region 10796; plus strand). Cytogenetic location: 19q13.32.
Variant type: Microsatellite.
Coding change: c.*224CTG[(35_49)] on transcript NM_004409.4.
Identifiers: ClinVar variation 65629 (VCV000065629.4).